The following is an entry in ClinVar:

NM_000548.5(TSC2):c.4562C>G (p.Pro1521Arg)

Gene: TSC2 (TSC complex subunit 2; plus strand). Cytogenetic location: 16p13.3.
Variant type: single nucleotide variant.
Coding change: c.4562C>G on transcript NM_000548.5 (MANE Select); coding-DNA position 4562, C replaced by G.
Protein change: p.Pro1521Arg; replaces proline 1521 with arginine.
Molecular consequence: missense variant.
Genome position (GRCh38, 1-based): chr16:2,085,019, C>G. VCF-style: chr16-2085019-C-G. GRCh37 (hg19) VCF-style: chr16-2135020-C-G.
Other names: c.4361C>G, p.Pro1454Arg (NM_001077183.3); c.4493C>G, p.Pro1498Arg (NM_001114382.3); c.4253C>G, p.Pro1418Arg (NM_001318827.2); c.4217C>G, p.Pro1406Arg (NM_001318829.2); c.3830C>G, p.Pro1277Arg (NM_001318831.2); c.4394C>G, p.Pro1465Arg (NM_001318832.2); c.4364C>G, p.Pro1455Arg (NM_001363528.2); c.4430C>G, p.Pro1477Arg (NM_001370404.1); and 1 more; short protein forms P1521R, P1418R, P1465R, P1498R, P1277R, P1454R, P1455R, P1406R.
Identifiers: ClinVar variation 406104 (VCV000406104.9), dbSNP rs1060500966, ClinGen allele CA16614796.

ClinVar aggregate classification (germline): Uncertain significance. Review status: criteria provided, multiple submitters, no conflicts (2 of 4 stars). 2 submissions from 2 submitters: Uncertain significance (2). Last evaluated 2026-07-07.

Conditions:
Tuberous sclerosis 2 (TSC2). Identifiers: Orphanet 805, MedGen C1860707, MONDO:0013199, OMIM 613254.
Hereditary cancer-predisposing syndrome. Also called: Neoplastic Syndromes, Hereditary; Hereditary Cancer Syndrome; Tumor predisposition; Hereditary neoplastic syndrome. Identifiers: Orphanet 140162, MedGen C0027672, MeSH D009386, MONDO:0015356.

Submissions (2):

Ambry Genetics
Classification: Uncertain significance for Hereditary cancer-predisposing syndrome. Last evaluated: 2026-07-07. Review status: criteria provided, single submitter. Criteria: Ambry Variant Classification Scheme 2023. Collection method: clinical testing. Allele origin: germline.
Comment: The p.P1521R variant (also known as c.4562C>G), located in coding exon 34 of the TSC2 gene, results from a C to G substitution at nucleotide position 4562. The proline at codon 1521 is replaced by arginine, an amino acid with dissimilar properties. This amino acid position is conserved. In addition, this alteration is predicted to be deleterious by in silico analysis. Based on the available evidence, the clinical significance of this variant remains unclear.

Labcorp Genetics (formerly Invitae), Labcorp
Classification: Uncertain significance for Tuberous sclerosis 2. Last evaluated: 2016-12-13. Review status: criteria provided, single submitter. Criteria: Invitae Variant Classification Sherloc (09022015). Collection method: clinical testing. Allele origin: germline.
Comment: This sequence change replaces proline with arginine at codon 1521 of the TSC2 protein (p.Pro1521Arg). The proline residue is highly conserved and there is a moderate physicochemical difference between proline and arginine. This variant is not present in population databases (ExAC no frequency). This variant has been reported in an individual in the Leiden Open-source Variation Database (PMID: 21520333). However, in that individual a pathogenic allele was also identified in TSC2, which suggests that this c.4562C>G variant was not the primary cause of disease. Algorithms developed to predict the effect of missense changes on protein structure and function do not agree on the potential impact of this missense change (SIFT: "Deleterious"; PolyPhen-2: "Probably Damaging"; Align-GVGD: "Class C0"). In summary, this variant is a rare missense change with uncertain impact on protein function. While it is absent from the population and reported in an affected individual with a pathogenic variant, the available evidence is currently insufficient to determine its role in disease. Therefore, it has been classified as a Variant of Uncertain Significance.

Literature cited by the submitters: PubMed 21520333 (cited by Labcorp Genetics (formerly Invitae), Labcorp).